The following is an entry in ClinVar:

ClinVar aggregate classification (germline): Conflicting classifications of pathogenicity. Review status: criteria provided, conflicting classifications (1 of 4 stars). 4 submissions from 4 submitters: Uncertain significance (3); Likely benign (1). Last evaluated 2025-09-25.

Conditions:
Inborn genetic diseases. Identifiers: MedGen C0950123, MeSH D030342.
Fraser syndrome 1 (FRASRS1). Also called: CRYPTOPHTHALMOS WITH OTHER MALFORMATIONS. Identifiers: Orphanet 2052, MedGen C4551480, MONDO:0054737, OMIM 219000.

Allele frequency attached by ClinVar (database versions not stated): ESP Exome Variant Server 0.00008; gnomAD 0.00010 and 0.00011; TOPMed 0.00014; 1000 Genomes Project 0.00020; ExAC 0.00020; gnomAD exomes 0.00020; 1000 Genomes Project 30x 0.00031.
gnomAD v4.1: 111 of 1,613,058 alleles (0.0069%); highest among the groups gnomAD compares: Admixed American, 0.062%; no homozygotes.

Submissions (4):

Ambry Genetics
Classification: Uncertain significance for Inborn genetic diseases. Last evaluated: 2025-09-25. Review status: criteria provided, single submitter. Criteria: Ambry Variant Classification Scheme 2023. Collection method: clinical testing. Allele origin: germline.

Labcorp Genetics (formerly Invitae), Labcorp
Classification: Uncertain significance. Last evaluated: 2024-11-16. Review status: criteria provided, single submitter. Criteria: Invitae Variant Classification Sherloc (09022015). Collection method: clinical testing. Allele origin: germline.
Comment: This sequence change replaces valine, which is neutral and non-polar, with methionine, which is neutral and non-polar, at codon 988 of the FRAS1 protein (p.Val988Met). This variant is present in population databases (rs368228939, gnomAD 0.1%). This variant has not been reported in the literature in individuals affected with FRAS1-related conditions. ClinVar contains an entry for this variant (Variation ID: 1468878). An algorithm developed to predict the effect of missense changes on protein structure and function outputs the following: PolyPhen-2: "Benign". The methionine amino acid residue is found in multiple mammalian species, which suggests that this missense change does not adversely affect protein function. In summary, the available evidence is currently insufficient to determine the role of this variant in disease. Therefore, it has been classified as a Variant of Uncertain Significance.

3billion
Classification: Likely benign for Fraser syndrome 1. Last evaluated: 2024-09-20. Review status: criteria provided, single submitter. Criteria: ACMG Guidelines, 2015. Collection method: clinical testing. Allele origin: germline. Affected: no.
Comment: The homozygous variant was found in patients diagnosed with another variant in a different gene, with no symptoms related to the gene containing the homozygous variant.

Fulgent Genetics
Classification: Uncertain significance for Fraser syndrome 1. Last evaluated: 2024-03-29. Review status: criteria provided, single submitter. Criteria: ACMG Guidelines, 2015. Collection method: clinical testing. Allele origin: germline.

NM_025074.7(FRAS1):c.2962G>A (p.Val988Met)

Gene: FRAS1 (Fraser extracellular matrix complex subunit 1; plus strand). Cytogenetic location: 4q21.21.
Variant type: single nucleotide variant.
Coding change: c.2962G>A on transcript NM_025074.7 (MANE Select); coding-DNA position 2962, G replaced by A.
Protein change: p.Val988Met; replaces valine 988 with methionine.
Molecular consequence: missense variant.
Genome position (GRCh38, 1-based): chr4:78,372,810, G>A. VCF-style: chr4-78372810-G-A. GRCh37 (hg19) VCF-style: chr4-79293964-G-A.
Other names: c.2962G>A, p.Val988Met (NM_001166133.2); c.2962G>A (NM_025074.6); short protein forms V988M.
Identifiers: ClinVar variation 1468878 (VCV001468878.9), dbSNP rs368228939, ClinGen allele CA2976780.